The following is an entry in ClinVar:

ClinVar aggregate classification (germline): Pathogenic. Review status: criteria provided, multiple submitters, no conflicts (2 of 4 stars). 3 submissions from 3 submitters: Pathogenic (3). Last evaluated 2023-11-13.

Conditions:
Hereditary breast ovarian cancer syndrome. Also called: Hereditary breast and ovarian cancer syndrome (HBOC); Hereditary breast and/or ovarian cancer syndrome; Hereditary breast and ovarian cancer; Hereditary breast and ovarian cancer syndrome; BRCA1- and BRCA2-Associated Hereditary Breast and Ovarian Cancer; Breast and ovarian cancer. Identifiers: Orphanet 145, MedGen C0677776, MeSH D061325, MONDO:0003582. Disease mechanism: loss of function.
Breast-ovarian cancer, familial, susceptibility to, 2 (BROVCA2). Also called: BRCA2 Hereditary Breast and Ovarian Cancer. Identifiers: Orphanet 145, MedGen C2675520, MONDO:0012933, OMIM 612555. Disease mechanism: loss of function.
Hereditary cancer-predisposing syndrome. Also called: Hereditary neoplastic syndrome; Tumor predisposition; Neoplastic Syndromes, Hereditary; Hereditary Cancer Syndrome. Identifiers: Orphanet 140162, MedGen C0027672, MeSH D009386, MONDO:0015356.

Submissions (3):

All of Us Research Program, National Institutes of Health
Classification: Pathogenic for Breast-ovarian cancer, familial, susceptibility to, 2. Last evaluated: 2023-11-13. Review status: criteria provided, single submitter. Criteria: ACMG Guidelines, 2015. Collection method: clinical testing. Allele origin: germline. Inheritance: Autosomal dominant inheritance. Observed: 1 variant allele, 1 heterozygote.
Comment: The c.4197T>A (p.Cys1399*) variant in the BRCA2 gene is located on the exon 11 and introduce a premature translation termination codon (p.Cys1399*), resulting in an absent or disrupted protein product. Loss-of-function variants of BRCA2 are known to be pathogenic (PMID: 8988179, 11897832, 29446198). The variant is reported in ClinVar (ID: 954276). The variant is absent in the general population database (gnomAD). Therefore, the c.4197T>A (p.Cys1399*) variant of BRCA2 has been classified as pathogenic.

This study involves interpretation of variants in research participants for the purpose of population health screening. Participant phenotype was not available at the time of variant classification. Additional details can be found in publication PMID: 35346344, PMCID: PMC8962531

Ambry Genetics
Classification: Pathogenic for Hereditary cancer-predisposing syndrome. Last evaluated: 2023-08-15. Review status: criteria provided, single submitter. Criteria: Ambry Variant Classification Scheme 2023. Collection method: clinical testing. Allele origin: germline.
Comment: The p.C1399* variant (also known as c.4197T>A), located in coding exon 10 of the BRCA2 gene, results from a T to A substitution at nucleotide position 4197. This changes the amino acid from a cysteine to a stop codon within coding exon 10. This alteration is expected to result in loss of function by premature protein truncation or nonsense-mediated mRNA decay. As such, this alteration is interpreted as a disease-causing mutation.

Labcorp Genetics (formerly Invitae), Labcorp
Classification: Pathogenic for Hereditary breast ovarian cancer syndrome. Last evaluated: 2019-11-01. Review status: criteria provided, single submitter. Criteria: Invitae Variant Classification Sherloc (09022015). Collection method: clinical testing. Allele origin: germline.
Comment: For these reasons, this variant has been classified as Pathogenic. Loss-of-function variants in BRCA2 are known to be pathogenic (PMID: 20104584). This variant has not been reported in the literature in individuals with BRCA2-related conditions. This variant is not present in population databases (ExAC no frequency). This sequence change creates a premature translational stop signal (p.Cys1399*) in the BRCA2 gene. It is expected to result in an absent or disrupted protein product.

Literature cited by the submitters: PubMed 8988179 (cited by All of Us Research Program, National Institutes of Health); PubMed 11897832 (cited by All of Us Research Program, National Institutes of Health); PubMed 29446198 (cited by All of Us Research Program, National Institutes of Health); PubMed 20104584 (cited by Labcorp Genetics (formerly Invitae), Labcorp).

NM_000059.4(BRCA2):c.4197T>A (p.Cys1399Ter)

Gene: BRCA2 (BRCA2 DNA repair associated; plus strand). Cytogenetic location: 13q13.1.
Variant type: single nucleotide variant.
Coding change: c.4197T>A on transcript NM_000059.4 (MANE Select); coding-DNA position 4197, T replaced by A.
Protein change: p.Cys1399Ter; replaces cysteine 1399 with a stop codon.
Molecular consequence: nonsense.
Genome position (GRCh38, 1-based): chr13:32,338,552, T>A. VCF-style: chr13-32338552-T-A. GRCh37 (hg19) VCF-style: chr13-32912689-T-A.
Other names: short protein forms C1399*.
Identifiers: ClinVar variation 954276 (VCV000954276.12), dbSNP rs1339703491, ClinGen allele CA387780191.